The following is an entry in ClinVar:

ClinVar aggregate classification (germline): Uncertain significance. Review status: criteria provided, multiple submitters, no conflicts (2 of 4 stars). 2 submissions from 2 submitters: Uncertain significance (2). Last evaluated 2024-11-25.

Submissions (2):

Blueprint Genetics
Classification: Uncertain significance. Last evaluated: 2024-11-25. Review status: criteria provided, single submitter. Criteria: ACMG Guidelines, 2015. Collection method: clinical testing. Allele origin: germline.

GeneDx
Classification: Uncertain significance. Last evaluated: 2024-02-01. Review status: criteria provided, single submitter. Criteria: GeneDx Variant Classification Process June 2021. Collection method: clinical testing. Allele origin: germline. Affected: yes.
Comment: In silico analysis supports that this missense variant does not alter protein structure/function; Has not been previously published as pathogenic or benign to our knowledge

NM_000543.5(SMPD1):c.263A>G (p.Asn88Ser)

Gene: SMPD1 (sphingomyelin phosphodiesterase 1; plus strand). Cytogenetic location: 11p15.4.
Variant type: single nucleotide variant.
Coding change: c.263A>G on transcript NM_000543.5 (MANE Select); coding-DNA position 263, A replaced by G.
Protein change: p.Asn88Ser; replaces asparagine 88 with serine.
Molecular consequence: missense variant. On other transcripts: 5 prime UTR variant (1), non-coding transcript variant (2).
Genome position (GRCh38, 1-based): chr11:6,390,861, A>G. VCF-style: chr11-6390861-A-G. GRCh37 (hg19) VCF-style: chr11-6412091-A-G.
Other names: c.263A>G, p.Asn88Ser (NM_001007593.3, NM_001318087.2, NM_001365135.2); c.-699A>G (NM_001318088.2); short protein forms N88S.
Identifiers: ClinVar variation 3368565 (VCV003368565.2).